The following is an entry in ClinVar:

ClinVar aggregate classification (germline): Uncertain significance (1 of 4 stars; one submission).

Conditions:
PLXNA1-related disorder. Also called: PLXNA1-related condition.

gnomAD v4.1: 5 of 1,600,864 alleles (0.00031%); highest among the groups gnomAD compares: African/African-American, 0.0053%; no homozygotes.

Submission:

PreventionGenetics, part of Exact Sciences
Classification: Uncertain significance for PLXNA1-related condition. Last evaluated: 2025-09-12. Review status: criteria provided, single submitter. Criteria: ACMG Guidelines, 2015. Collection method: clinical testing. Allele origin: germline.
Comment: The PLXNA1 c.5678C>T variant is predicted to result in the amino acid substitution p.Ala1893Val. To our knowledge, this variant has not been reported in the literature or in a large population database (gnomAD), indicating this variant is rare. At this time, the clinical significance of this variant is uncertain due to the absence of conclusive functional and genetic evidence.

NM_032242.4(PLXNA1):c.5678C>T (p.Ala1893Val)

Gene: PLXNA1 (plexin A1; plus strand). Cytogenetic location: 3q21.3.
Variant type: single nucleotide variant.
Coding change: c.5678C>T on transcript NM_032242.4 (MANE Select); coding-DNA position 5678, C replaced by T.
Protein change: p.Ala1893Val; replaces alanine 1893 with valine.
Molecular consequence: missense variant.
Genome position (GRCh38, 1-based): chr3:127,034,004, C>T. VCF-style: chr3-127034004-C-T. GRCh37 (hg19) VCF-style: chr3-126752847-C-T.
Other names: short protein forms A1893V.
Identifiers: ClinVar variation 4978560 (VCV004978560.1).